The following is an entry in ClinVar:

NM_002617.4(PEX10):c.272G>A (p.Arg91His)

Gene: PEX10 (peroxisomal biogenesis factor 10; minus strand). Cytogenetic location: 1p36.32.
Variant type: single nucleotide variant.
Coding change: c.272G>A on transcript NM_002617.4 (MANE Select); coding-DNA position 272, G replaced by A.
Protein change: p.Arg91His; replaces arginine 91 with histidine.
Molecular consequence: missense variant. On other transcripts: 5 prime UTR variant (2), non-coding transcript variant (1).
Genome position (GRCh38, 1-based): chr1:2,408,780, C>T on the plus strand (G>A on the coding strand, the complement: PEX10 is on the minus strand). VCF-style: chr1-2408780-C-T. GRCh37 (hg19) VCF-style: chr1-2340219-C-T.
Other names: c.272G>A, p.Arg91His (NM_001374425.1, NM_153818.2); c.-161G>A (NM_001374426.1, NM_001374427.1); short protein forms R91H.
Identifiers: ClinVar variation 1409192 (VCV001409192.4), dbSNP rs778774616, ClinGen allele CA538228.

ClinVar aggregate classification (germline): Uncertain significance (1 of 4 stars; one submission).

Conditions:
Peroxisome biogenesis disorder, complementation group 7 (CG7). Also called: Peroxisome biogenesis disorder, complementation group B. Identifiers: MedGen C1864399.

Allele frequency attached by ClinVar (database versions not stated): TOPMed below 0.00001; gnomAD 0.00001; gnomAD exomes 0.00001 and 0.00002; ExAC 0.00002.
gnomAD v4.1: 17 of 1,613,862 alleles (0.0011%); highest among the groups gnomAD compares: South Asian, 0.015%; no homozygotes.

Submission:

Labcorp Genetics (formerly Invitae), Labcorp
Classification: Uncertain significance for Peroxisome biogenesis disorder, complementation group 7. Last evaluated: 2024-02-23. Review status: criteria provided, single submitter. Criteria: Invitae Variant Classification Sherloc (09022015). Collection method: clinical testing. Allele origin: germline.
Comment: This sequence change replaces arginine, which is basic and polar, with histidine, which is basic and polar, at codon 91 of the PEX10 protein (p.Arg91His). This variant is present in population databases (rs778774616, gnomAD 0.01%). This variant has not been reported in the literature in individuals affected with PEX10-related conditions. ClinVar contains an entry for this variant (Variation ID: 1409192). An algorithm developed to predict the effect of missense changes on protein structure and function (PolyPhen-2) suggests that this variant is likely to be disruptive. In summary, the available evidence is currently insufficient to determine the role of this variant in disease. Therefore, it has been classified as a Variant of Uncertain Significance.